The following is an entry in ClinVar:

NM_002608.4(PDGFB):c.170G>T (p.Gly57Val)

Gene: PDGFB (platelet derived growth factor subunit B; minus strand). Cytogenetic location: 22q13.1.
Variant type: single nucleotide variant.
Coding change: c.170G>T on transcript NM_002608.4 (MANE Select); coding-DNA position 170, G replaced by T.
Protein change: p.Gly57Val; replaces glycine 57 with valine.
Molecular consequence: missense variant.
Genome position (GRCh38, 1-based): chr22:39,233,515, C>A on the plus strand (G>T on the coding strand, the complement: PDGFB is on the minus strand). VCF-style: chr22-39233515-C-A. GRCh37 (hg19) VCF-style: chr22-39629520-C-A.
Other names: c.125G>T, p.Gly42Val (NM_033016.3); short protein forms G42V, G57V.
Identifiers: ClinVar variation 4887589 (VCV004887589.1).

ClinVar aggregate classification (germline): Uncertain significance (1 of 4 stars; one submission).

Submission:

Women's Health and Genetics/Laboratory Corporation of America, LabCorp
Classification: Uncertain significance. Last evaluated: 2026-06-02. Review status: criteria provided, single submitter. Criteria: LabCorp Variant Classification Summary - May 2015. Collection method: clinical testing. Allele origin: germline.
Comment: Variant summary: PDGFB c.170G>T (p.Gly57Val) results in a non-conservative amino acid change in the encoded protein sequence. Algorithms developed to predict the effect of missense changes on protein structure and function are either unavailable or do not agree on the potential impact of this missense change. The variant was absent in 224438 control chromosomes. The available data on variant occurrences in the general population are insufficient to allow any conclusion about variant significance. To our knowledge, no occurrence of c.170G>T in individuals affected with PDGFB-related conditions and no experimental evidence demonstrating its impact on protein function have been reported. No submitters have cited clinical-significance assessments for this variant to ClinVar. Based on the evidence outlined above, the variant was classified as uncertain significance.